The following is an entry in ClinVar:

NM_001739.2(CA5A):c.110G>A (p.Arg37His)

Gene: CA5A (carbonic anhydrase 5A; minus strand). Cytogenetic location: 16q24.2.
Variant type: single nucleotide variant.
Coding change: c.110G>A on transcript NM_001739.2 (MANE Select); coding-DNA position 110, G replaced by A.
Protein change: p.Arg37His; replaces arginine 37 with histidine.
Molecular consequence: missense variant. On other transcripts: non-coding transcript variant (2).
Genome position (GRCh38, 1-based): chr16:87,936,341, C>T on the plus strand (G>A on the coding strand, the complement: CA5A is on the minus strand). VCF-style: chr16-87936341-C-T. GRCh37 (hg19) VCF-style: chr16-87969947-C-T.
Other names: c.110G>A, p.Arg37His (NM_001367225.1); short protein forms R37H.
Identifiers: ClinVar variation 840340 (VCV000840340.9), dbSNP rs775785856, ClinGen allele CA8223635.

ClinVar aggregate classification (germline): Uncertain significance (1 of 4 stars; one submission).

Conditions:
Hyperammonemic encephalopathy due to carbonic anhydrase VA deficiency. Also called: Carbonic anhydrase VA deficiency, hyperammonemia due to; Carbonic Anhydrase VA Deficiency. Identifiers: Orphanet 401948, MedGen C4706871, MONDO:0014332, OMIM 615751.

Allele frequency attached by ClinVar (database versions not stated): gnomAD 0.00001; gnomAD exomes 0.00001 and 0.00002; TOPMed 0.00001; ExAC 0.00002.

Submission:

Labcorp Genetics (formerly Invitae), Labcorp
Classification: Uncertain significance for Hyperammonemic encephalopathy due to carbonic anhydrase VA deficiency. Last evaluated: 2025-05-12. Review status: criteria provided, single submitter. Criteria: Invitae Variant Classification Sherloc (09022015). Collection method: clinical testing. Allele origin: germline.
Comment: This sequence change replaces arginine, which is basic and polar, with histidine, which is basic and polar, at codon 37 of the CA5A protein (p.Arg37His). This variant is present in population databases (rs775785856, gnomAD 0.006%). This variant has not been reported in the literature in individuals affected with CA5A-related conditions. ClinVar contains an entry for this variant (Variation ID: 840340). An algorithm developed to predict the effect of missense changes on protein structure and function outputs the following: PolyPhen-2: "Benign". The histidine amino acid residue is found in multiple mammalian species, which suggests that this missense change does not adversely affect protein function. In summary, the available evidence is currently insufficient to determine the role of this variant in disease. Therefore, it has been classified as a Variant of Uncertain Significance.